The following is an entry in ClinVar:

NM_001374828.1(ARID1B):c.1298C>T (p.Ala433Val)

Gene: ARID1B (AT-rich interaction domain 1B; plus strand). Cytogenetic location: 6q25.3.
Variant type: single nucleotide variant.
Coding change: c.1298C>T on transcript NM_001374828.1 (MANE Select); coding-DNA position 1298, C replaced by T.
Protein change: p.Ala433Val; replaces alanine 433 with valine.
Molecular consequence: missense variant.
Genome position (GRCh38, 1-based): chr6:156,778,978, C>T. VCF-style: chr6-156778978-C-T. GRCh37 (hg19) VCF-style: chr6-157100112-C-T.
Other names: c.1298C>T, p.Ala433Val (NM_001371656.1, NM_001374820.1, NM_001438482.1 and 9 more transcripts); short protein forms A433V.
Identifiers: ClinVar variation 4776655 (VCV004776655.1).
Genomic context (GRCh38, chr6:156,778,978, plus strand): 5'-GAGCAGGAGGAGCAGGAGCGGGAGCTGTGGCGGCGGCGGCCGCGGCGGCGGCGGCAGCAG[C>T]AGGAGGCGGCGGCGGCGGCGGCTATGGGGGCTCGTCCGCGGGGTACGGGGTGCTGAGCTC-3'
Protein context (NP_001361757.1, residues 423-443): AAAAAAAAAA[Ala433Val]GGGGGGGYGG

ClinVar aggregate classification (germline): Uncertain significance (1 of 4 stars; one submission).

gnomAD v4.1: 13 of 1,273,488 alleles (0.001%); highest among the groups gnomAD compares: East Asian, 0.0032%; no homozygotes.

Submission:

Labcorp Genetics (formerly Invitae), Labcorp
Classification: Uncertain significance. Last evaluated: 2026-01-13. Review status: criteria provided, single submitter. Criteria: Invitae Variant Classification Sherloc (09022015). Collection method: clinical testing. Allele origin: germline.
Comment: This sequence change replaces alanine, which is neutral and non-polar, with valine, which is neutral and non-polar, at codon 350 of the ARID1B protein (p.Ala350Val). The frequency data for this variant in the population databases is considered unreliable, as metrics indicate insufficient coverage at this position in the gnomAD database. This variant has not been reported in the literature in individuals affected with ARID1B-related conditions. Invitae Evidence Modeling of protein sequence and biophysical properties (such as structural, functional, and spatial information, amino acid conservation, physicochemical variation, residue mobility, and thermodynamic stability) indicates that this missense variant is not expected to disrupt ARID1B protein function with a negative predictive value of 95%. In summary, the available evidence is currently insufficient to determine the role of this variant in disease. Therefore, it has been classified as a Variant of Uncertain Significance.